The following is an entry in ClinVar:

NM_001365480.1(CCDC88A):c.2033del (p.Thr678fs)

Gene: CCDC88A (coiled-coil domain containing 88A; minus strand). Cytogenetic location: 2p16.1.
Variant type: Deletion.
Coding change: c.2033del on transcript NM_001365480.1 (MANE Select); coding-DNA position 2033, one base deleted (C; older notation c.2033delC).
Protein change: p.Thr678fs; shifts the reading frame from threonine 678.
Molecular consequence: frameshift variant.
Genome position (GRCh38, 1-based): chr2:55,334,788, G deleted on the plus strand (C on the coding strand, the reverse complement: CCDC88A is on the minus strand). VCF-style (leftmost placement, unchanged base first): chr2-55334787-TG-T. GRCh37 (hg19) VCF-style: chr2-55561923-TG-T.
Other names: c.2033del, p.Thr678fs (NM_001135597.2, NM_001254943.2, NM_018084.5); short protein forms T678fs.
Identifiers: ClinVar variation 2169435 (VCV002169435.1), dbSNP rs2544836633, ClinGen allele CA2580067442.

ClinVar aggregate classification (germline): Pathogenic (1 of 4 stars; one submission).

Submission:

Labcorp Genetics (formerly Invitae), Labcorp
Classification: Pathogenic. Last evaluated: 2022-06-28. Review status: criteria provided, single submitter. Criteria: Invitae Variant Classification Sherloc (09022015). Collection method: clinical testing. Allele origin: germline.
Comment: This sequence change creates a premature translational stop signal (p.Thr678Asnfs*8) in the CCDC88A gene. It is expected to result in an absent or disrupted protein product. Loss-of-function variants in CCDC88A are known to be pathogenic (PMID: 26917597, 30392057). This variant is not present in population databases (gnomAD no frequency). This variant has not been reported in the literature in individuals affected with CCDC88A-related conditions. For these reasons, this variant has been classified as Pathogenic.

Literature cited by the submitters: PubMed 26917597; PubMed 30392057.